The following is an entry in ClinVar:

ClinVar aggregate classification (germline): no classifications from unflagged records (0 of 4 stars; one submission).

Submission:

ISCA site 1
Classification: Likely benign. Last evaluated: 2018-02-12. Review status: flagged submission. Collection method: clinical testing. Allele origin: unknown. Affected: yes. Observed: 1 variant allele.
Comment: Copy number variation identified through the course of routine clinical cytogenomic testing in postnatal populations, with clinical assertions as classified by the original submitter. For data from the original published study, Kaminsky, et al. 2011 (PubMed 21844811), please see nstd101.
ClinVar note: Notes: This submission was flagged because its interpretation of this variant conflicts with the ClinGen Gene Dosage Map curation for the gene STS.
ClinVar note: Reason: Conflict with ClinGen Gene Dosage Map

GRCh38/hg38 Xp22.31(chrX:6537110-8167603)x1

Genes: MIR651 (microRNA 651; plus strand), PNPLA4 (patatin like domain 4, phospholipase and triacylglycerol lipase; minus strand), PUDP (pseudouridine 5'-phosphatase; minus strand), MIR4767 (microRNA 4767; plus strand), STS (steroid sulfatase; plus strand) and 22 more. Cytogenetic location: Xp22.31.
Variant type: copy number loss.
Change: copy number 1 of chrX:6,537,110-8,167,603 (1.63 Mb, GRCh38 coordinates, 1-based), cytogenetic band Xp22.31.
Identifiers: ClinVar variation 154075 (VCV000154075.3).